The following is an entry in ClinVar:

ClinVar aggregate classification (germline): Uncertain significance. Review status: criteria provided, multiple submitters, no conflicts (2 of 4 stars). 2 submissions from 2 submitters: Uncertain significance (2). Last evaluated 2025-08-11.

Conditions:
EAST syndrome (SESAMES). Also called: SEIZURES, SENSORINEURAL DEAFNESS, ATAXIA, IMPAIRED INTELLECTUAL DEVELOPMENT, AND ELECTROLYTE IMBALANCE. Identifiers: Orphanet 199343, MedGen C2748572, MONDO:0013005, OMIM 612780.

Allele frequency attached by ClinVar (database versions not stated): gnomAD exomes below 0.00001.
gnomAD v4.1: 3 of 1,614,176 alleles (0.00019%); highest among the groups gnomAD compares: Non-Finnish European, 0.00025%; no homozygotes.

Submissions (2):

Labcorp Genetics (formerly Invitae), Labcorp
Classification: Uncertain significance for EAST syndrome. Last evaluated: 2025-08-11. Review status: criteria provided, single submitter. Criteria: Invitae Variant Classification Sherloc (09022015). Collection method: clinical testing. Allele origin: germline.
Comment: This sequence change replaces glycine, which is neutral and non-polar, with arginine, which is basic and polar, at codon 341 of the KCNJ10 protein (p.Gly341Arg). This variant is not present in population databases (gnomAD no frequency). This variant has not been reported in the literature in individuals affected with KCNJ10-related conditions. ClinVar contains an entry for this variant (Variation ID: 205822). Invitae Evidence Modeling of protein sequence and biophysical properties (such as structural, functional, and spatial information, amino acid conservation, physicochemical variation, residue mobility, and thermodynamic stability) indicates that this missense variant is not expected to disrupt KCNJ10 protein function with a negative predictive value of 95%. In summary, the available evidence is currently insufficient to determine the role of this variant in disease. Therefore, it has been classified as a Variant of Uncertain Significance.

GeneDx
Classification: Uncertain significance. Last evaluated: 2014-02-11. Review status: criteria provided, single submitter. Criteria: GeneDx Variant Classification (06012015). Collection method: clinical testing. Allele origin: germline. Affected: yes.
Comment: p.Gly341Arg (GGC>CGC): c.1021 G>C in exon 2 of the KCNJ10 gene (NM_002241.4). The Gly341Arg missense change in the KCNJ10 gene has not been published as a mutation, nor has it been reported as a benign polymorphism to our knowledge. It was not observed in approximately 6,500 individuals of European and African American ancestry in the NHLBI Exome Sequencing Project, indicating it is not a common benign variant in these populations. This variant is a non-conservative amino acid substitution of a non-polar Glycine residue with a polar Arginine residue at a position that is conserved in mammals but is not conserved in more distantly related species. In silico analysis is inconsistent with regard to the effect this variant may have on the protein structure/function. Therefore, based on the currently available information, it is unclear whether Gly341Arg is a disease-causing mutation or a rare benign variant. The variant is found in INFANT-EPI panel(s).

NM_002241.5(KCNJ10):c.1021G>C (p.Gly341Arg)

Gene: KCNJ10 (potassium inwardly rectifying channel subfamily J member 10; minus strand). Cytogenetic location: 1q23.2.
Variant type: single nucleotide variant.
Coding change: c.1021G>C on transcript NM_002241.5 (MANE Select); coding-DNA position 1021, G replaced by C.
Protein change: p.Gly341Arg; replaces glycine 341 with arginine.
Molecular consequence: missense variant.
Genome position (GRCh38, 1-based): chr1:160,041,512, C>G on the plus strand (G>C on the coding strand, the complement: KCNJ10 is on the minus strand). VCF-style: chr1-160041512-C-G. GRCh37 (hg19) VCF-style: chr1-160011302-C-G.
Other names: p.G341R:GGC>CGC; short protein forms G341R.
Identifiers: ClinVar variation 205822 (VCV000205822.4), dbSNP rs796052605, ClinGen allele CA315271.